The following is an entry in ClinVar:

NM_000787.4(DBH):c.1722+4del

Genes: DBH (dopamine beta-hydroxylase; plus strand), DBH-AS1 (DBH antisense RNA 1; minus strand). Cytogenetic location: 9q34.2.
Variant type: Deletion.
Coding change: c.1722+4del on transcript NM_000787.4 (MANE Select); 4 bases into the intron after coding-DNA position 1722, one base deleted (C; older notation c.1722+4delC).
Molecular consequence: intron variant. On other transcripts: non-coding transcript variant (1).
Genome position (GRCh38, 1-based): chr9:133,657,233, C deleted. VCF-style (leftmost placement, unchanged base first): chr9-133657232-GC-G. GRCh37 (hg19) VCF-style: chr9-136522354-GC-G.
Identifiers: ClinVar variation 4977151 (VCV004977151.1).
Genomic context (GRCh38, chr9:133,657,232, plus strand): 5'-GTACAGCTTCGCGCCCATCTCCATGCACTGCAACAAGTCCTCAGCCGTCCGCTTCCAGGT[GC>G]GCTGCCATGGGCCCGGGTGGGGCATGCAGTCAGGCAGGCCTCATGGGGGGCCCCAGTGAG-3'

ClinVar aggregate classification (germline): Uncertain significance (1 of 4 stars; one submission).

Conditions:
DBH-related disorder. Also called: DBH-related condition.

Submission:

PreventionGenetics, part of Exact Sciences
Classification: Uncertain significance for DBH-related condition. Last evaluated: 2025-12-23. Review status: criteria provided, single submitter. Criteria: ACMG Guidelines, 2015. Collection method: clinical testing. Allele origin: germline.
Comment: The DBH c.1722+4delC variant is predicted to result in an intronic deletion. This variant is predicted to alter splicing based on available splicing prediction software (SpliceAI, Jaganathan et al. 2019. PubMed ID: 30661751). However, the use of computer prediction softwares is not equivalent to functional evidence. To our knowledge, this variant has not been reported in the literature. This variant is reported in 0.0023% of alleles in individuals of European (Non-Finnish) descent in gnomAD. At this time, the clinical significance of this variant is uncertain due to the absence of conclusive functional and genetic evidence.